The following is an entry in ClinVar:

NM_001318852.2(MAPK8IP3):c.3237+24G>A

Gene: MAPK8IP3 (mitogen-activated protein kinase 8 interacting protein 3; plus strand). Cytogenetic location: 16p13.3.
Variant type: single nucleotide variant.
Coding change: c.3237+24G>A on transcript NM_001318852.2 (MANE Select); 24 bases into the intron after coding-DNA position 3237, G replaced by A.
Molecular consequence: intron variant.
Genome position (GRCh38, 1-based): chr16:1,767,321, G>A. VCF-style: chr16-1767321-G-A. GRCh37 (hg19) VCF-style: chr16-1817322-G-A.
Other names: c.3234+24G>A (NM_015133.5); c.3216+24G>A (NM_001040439.2).
Identifiers: ClinVar variation 4856251 (VCV004856251.1).
Genomic context (GRCh38, chr16:1,767,321, plus strand): 5'-GGTGCACGTCATCCAGCCCAAGACCATGCAGATAGAGGCGAGTGCCGGCCAGGGCCCCGG[G>A]GAGGGGAAGAGGCTCCTGCTGGCCAGCAGCTCTCCCGCATCTTCCATACGGAAGTCCACG-3'

ClinVar aggregate classification (germline): Uncertain significance (1 of 4 stars; one submission).

Conditions:
Neurodevelopmental disorder with or without variable brain abnormalities; NEDBA. Also called: NEURODEVELOPMENTAL DISORDER WITH OR WITHOUT VARIABLE BRAIN ABNORMALITIES. Identifiers: MedGen C5193102, MONDO:0032755, OMIM 618443.

Submission:

3billion
Classification: Uncertain significance for Neurodevelopmental disorder with or without variable brain abnormalities; NEDBA. Last evaluated: 2025-11-26. Review status: criteria provided, single submitter. Criteria: ACMG Guidelines, 2015. Collection method: clinical testing. Allele origin: germline. Affected: yes.
Comment: The variant is not observed in the gnomAD v4.1.0 dataset. Predicted Consequence/Location: Intron variant In silico tools predict the variant to alter splicing and produce an abnormal transcript [SpliceAI: 0.23 (>=0.2, moderate evidence for spliceogenicity)]. Therefore, this variant is classified as VUS according to the recommendation of ACMG/AMP guideline.